The following is an entry in ClinVar:

NM_000260.4(MYO7A):c.1554G>A (p.Lys518=)

Gene: MYO7A (myosin VIIA; plus strand). Cytogenetic location: 11q13.5.
Variant type: single nucleotide variant.
Coding change: c.1554G>A on transcript NM_000260.4 (MANE Select); coding-DNA position 1554, G replaced by A.
Protein change: p.Lys518=; no amino-acid change (lysine 518 retained).
Molecular consequence: synonymous variant.
Genome position (GRCh38, 1-based): chr11:77,162,330, G>A. VCF-style: chr11-77162330-G-A. GRCh37 (hg19) VCF-style: chr11-76873376-G-A.
Other names: c.1554G>A, p.Lys518= (NM_001127180.2); c.1521G>A, p.Lys507= (NM_001369365.1).
Identifiers: ClinVar variation 306168 (VCV000306168.6), dbSNP rs886048675, ClinGen allele CA10640233.

ClinVar aggregate classification (germline): Uncertain significance. Review status: criteria provided, multiple submitters, no conflicts (2 of 4 stars). 4 submissions from 2 submitters: Uncertain significance (4). Last evaluated 2025-06-20.

Conditions:
Autosomal recessive nonsyndromic hearing loss 2. Also called: DEAFNESS, AUTOSOMAL RECESSIVE 2; NEUROSENSORY NONSYNDROMIC RECESSIVE DEAFNESS 2. Identifiers: Orphanet 90636, MedGen C1838701, MONDO:0010807, OMIM 600060.
Usher syndrome type 1 (USH1). Also called: RETINITIS PIGMENTOSA AND CONGENITAL DEAFNESS. Identifiers: Orphanet 231169, Orphanet 886, MedGen C1568247, MONDO:0010168, OMIM 276900.
Autosomal dominant nonsyndromic hearing loss 11. Identifiers: Orphanet 90635, MedGen C1832475, MONDO:0011032, OMIM 601317.

Submissions (4):

Women's Health and Genetics/Laboratory Corporation of America, LabCorp
Classification: Uncertain significance. Last evaluated: 2025-06-20. Review status: criteria provided, single submitter. Criteria: LabCorp Variant Classification Summary - May 2015. Collection method: clinical testing. Allele origin: germline.
Comment: Variant summary: MYO7A c.1554G>A (p.Lys518Lys) alters a conserved nucleotide located close to a canonical splice site and therefore could affect mRNA splicing, leading to a significantly altered protein sequence. Several computational tools predict a significant impact on normal splicing: Four predict the variant abolishes a canonical 5' splicing donor site. However, these predictions have yet to be confirmed by functional studies. The variant was absent in 155704 control chromosomes. The available data on variant occurrences in the general population are insufficient to allow any conclusion about variant significance. To our knowledge, no occurrence of c.1554G>A in individuals affected with Usher Syndrome and no experimental evidence demonstrating its impact on protein function have been reported. ClinVar contains an entry for this variant (Variation ID: 306168). Based on the evidence outlined above, the variant was classified as uncertain significance.

Illumina Laboratory Services, Illumina
Classification: Uncertain significance for Usher syndrome type 1. Last evaluated: 2018-01-12. Review status: criteria provided, single submitter. Criteria: ICSL Variant Classification Criteria 13 December 2019. Collection method: clinical testing. Allele origin: germline.

Illumina Laboratory Services, Illumina
Classification: Uncertain significance for Autosomal recessive nonsyndromic hearing loss 2. Last evaluated: 2018-01-12. Review status: criteria provided, single submitter. Criteria: ICSL Variant Classification Criteria 13 December 2019. Collection method: clinical testing. Allele origin: germline.

Illumina Laboratory Services, Illumina
Classification: Uncertain significance for Autosomal dominant nonsyndromic hearing loss 11. Last evaluated: 2018-01-12. Review status: criteria provided, single submitter. Criteria: ICSL Variant Classification Criteria 13 December 2019. Collection method: clinical testing. Allele origin: germline.